The following is an entry in ClinVar:

NM_001206927.2(DNAH8):c.7068G>T (p.Thr2356=)

Gene: DNAH8 (dynein axonemal heavy chain 8; plus strand). Cytogenetic location: 6p21.2.
Variant type: single nucleotide variant.
Coding change: c.7068G>T on transcript NM_001206927.2 (MANE Select); coding-DNA position 7068, G replaced by T.
Protein change: p.Thr2356=; no amino-acid change (threonine 2356 retained).
Molecular consequence: synonymous variant.
Genome position (GRCh38, 1-based): chr6:38,872,613, G>T. VCF-style: chr6-38872613-G-T. GRCh37 (hg19) VCF-style: chr6-38840389-G-T.
Other names: c.6417G>T, p.Thr2139= (NM_001371.4).
Identifiers: ClinVar variation 699716 (VCV000699716.13), dbSNP rs760793116, ClinGen allele CA3789824.

ClinVar aggregate classification (germline): Likely benign. Review status: criteria provided, single submitter (1 of 4 stars). 2 submissions from 2 submitters: Likely benign (1). 1 of the submissions does not count toward it. Last evaluated 2025-10-26.

Conditions:
DNAH8-related disorder. Also called: DNAH8-related condition.
Primary ciliary dyskinesia. Also called: Ciliary dyskinesia. Identifiers: Orphanet 244, MedGen C0008780, MONDO:0016575, HP:0012265.

Allele frequency attached by ClinVar (database versions not stated): gnomAD exomes 0.00003; ExAC 0.00004; gnomAD 0.00010 and 0.00011; TOPMed 0.00016.
gnomAD v4.1: 29 of 1,613,948 alleles (0.0018%); highest among the groups gnomAD compares: African/African-American, 0.028%; no homozygotes.

Submissions (2):

Labcorp Genetics (formerly Invitae), Labcorp
Classification: Likely benign for Primary ciliary dyskinesia. Last evaluated: 2025-10-26. Review status: criteria provided, single submitter. Criteria: Invitae Variant Classification Sherloc (09022015). Collection method: clinical testing. Allele origin: germline.

PreventionGenetics, part of Exact Sciences
Classification: Likely benign for DNAH8-related condition. Last evaluated: 2023-03-15. Review status: no assertion criteria provided. Collection method: clinical testing. Allele origin: germline. Not counted in ClinVar's aggregate classification.
Comment: This variant is classified as likely benign based on ACMG/AMP sequence variant interpretation guidelines (Richards et al. 2015 PMID: 25741868, with internal and published modifications).